The following is an entry in ClinVar:

NM_019066.5(MAGEL2):c.1016A>G (p.Gln339Arg)

Gene: MAGEL2 (MAGE family member L2; minus strand). Cytogenetic location: 15q11.2.
Variant type: single nucleotide variant.
Coding change: c.1016A>G on transcript NM_019066.5 (MANE Select); coding-DNA position 1016, A replaced by G.
Protein change: p.Gln339Arg; replaces glutamine 339 with arginine.
Molecular consequence: missense variant.
Genome position (GRCh38, 1-based): chr15:23,646,727, T>C on the plus strand (A>G on the coding strand, the complement: MAGEL2 is on the minus strand). VCF-style: chr15-23646727-T-C. GRCh37 (hg19) VCF-style: chr15-23891874-T-C.
Other names: short protein forms Q339R.
Identifiers: ClinVar variation 3347575 (VCV003347575.1).

ClinVar aggregate classification (germline): Uncertain significance (0 of 4 stars; one submission).

Conditions:
MAGEL2-related disorder. Also called: MAGEL2-related condition.

Submission:

PreventionGenetics, part of Exact Sciences
Classification: Uncertain significance for MAGEL2-related condition. Last evaluated: 2024-05-13. Review status: no assertion criteria provided. Collection method: clinical testing. Allele origin: germline.
Comment: The MAGEL2 c.1016A>G variant is predicted to result in the amino acid substitution p.Gln339Arg. To our knowledge, this variant has not been reported in the literature or in a large population database, indicating this variant is rare. At this time, the clinical significance of this variant is uncertain due to the absence of conclusive functional and genetic evidence.